The following is an entry in ClinVar:

ClinVar aggregate classification (germline): Pathogenic (1 of 4 stars; one submission).

Conditions:
Mucopolysaccharidosis, MPS-III-A (MPS3A). Also called: Mucopolysaccharidosis type IIIA (Sanfilippo A); Mucopolysaccharidosis, type IIIA; mucopolysaccharidosis type 3A; MPS IIIA (Sanfilippo Syndrome Type A); HEPARAN SULFATE SULFATASE DEFICIENCY; SANFILIPPO SYNDROME A. Identifiers: Orphanet 581, Orphanet 79269, MedGen C0086647, MONDO:0009655, OMIM 252900.

Submission:

Labcorp Genetics (formerly Invitae), Labcorp
Classification: Pathogenic for Mucopolysaccharidosis, MPS-III-A. Last evaluated: 2022-11-08. Review status: criteria provided, single submitter. Criteria: Invitae Variant Classification Sherloc (09022015). Collection method: clinical testing. Allele origin: germline.
Comment: This sequence change creates a premature translational stop signal (p.Leu109Alafs*27) in the SGSH gene. It is expected to result in an absent or disrupted protein product. Loss-of-function variants in SGSH are known to be pathogenic (PMID: 11182930, 21204211, 22976768). This variant is not present in population databases (gnomAD no frequency). For these reasons, this variant has been classified as Pathogenic. This variant has not been reported in the literature in individuals affected with SGSH-related conditions.

Literature cited by the submitters: PubMed 11182930; PubMed 21204211; PubMed 22976768.

NM_000199.5(SGSH):c.324dup (p.Leu109fs)

Gene: SGSH (N-sulfoglucosamine sulfohydrolase; minus strand). Cytogenetic location: 17q25.3.
Variant type: Duplication.
Coding change: c.324dup on transcript NM_000199.5 (MANE Select); coding-DNA position 324, one base duplicated (G; older notation c.324dupG).
Protein change: p.Leu109fs; shifts the reading frame from leucine 109.
Molecular consequence: frameshift variant.
Genome position (GRCh38, 1-based): chr17:80,215,064, C duplicated on the plus strand (G on the coding strand, the reverse complement: SGSH is on the minus strand). VCF-style (leftmost placement, unchanged base first): chr17-80215063-G-GC. GRCh37 (hg19) VCF-style: chr17-78188862-G-GC.
Other names: c.324dup, p.Leu109fs (NM_001352921.3, NM_001352922.2); short protein forms L109fs.
Identifiers: ClinVar variation 2812792 (VCV002812792.3), dbSNP rs2510897985, ClinGen allele CA2739268498.